The following is an entry in ClinVar:

NM_002454.3(MTRR):c.1147-7_1147-2delinsAAATGCCCACAAG

Gene: MTRR (5-methyltetrahydrofolate-homocysteine methyltransferase reductase; plus strand). Cytogenetic location: 5p15.31.
Variant type: Indel.
Coding change: c.1147-7_1147-2delinsAAATGCCCACAAG on transcript NM_002454.3 (MANE Select); 7 bases into the intron before coding-DNA position 1147 through the canonical splice acceptor site of the intron before coding-DNA position 1147, TTTGTA replaced by AAATGCCCACAAG.
Molecular consequence: splice acceptor variant.
Genome position (GRCh38, 1-based): chr5:7,889,088-7,889,093, TTTGTA replaced by AAATGCCCACAAG. VCF-style: chr5-7889088-TTTGTA-AAATGCCCACAAG. GRCh37 (hg19) VCF-style: chr5-7889201-TTTGTA-AAATGCCCACAAG.
Other names: c.1147-7_1147-2delinsAAATGCCCACAAG (NM_001364440.2, NM_001364441.2, NM_001364442.2 and 1 more transcripts).
Identifiers: ClinVar variation 4815051 (VCV004815051.1).

ClinVar aggregate classification (germline): Likely pathogenic (1 of 4 stars; one submission).

Conditions:
Methylcobalamin deficiency type cblE (HMAE). Also called: HOMOCYSTINURIA-MEGALOBLASTIC ANEMIA, cblE TYPE; HOMOCYSTINURIA-MEGALOBLASTIC ANEMIA, cblE COMPLEMENTATION TYPE; VITAMIN B12-RESPONSIVE HOMOCYSTINURIA, cblE TYPE. Identifiers: Orphanet 2169, Orphanet 622, MedGen C1856057, MONDO:0009354, OMIM 236270.

Submission:

Natera, Inc.
Classification: Likely pathogenic for CblE complementation type homocystinuria-megaloblastic anemia due to defect in cobalamin metabolism. Last evaluated: 2025-10-13. Review status: criteria provided, single submitter. Criteria: Natera Variant Classification Schema (03/2026). Collection method: clinical testing. Allele origin: germline.
Comment: The c.1147-7_1147-2delinsAAATGCCCACAAG variant in MTRR is a deletion-insertion (delins) variant predicted to replace one or more nucleotides with a different sequence, affecting a canonical splice acceptor site. This variant is expected to result in nonsense mediated decay, truncation, or a dysfunctional protein product. This variant is rare in the general population with a frequency below the threshold expected for the associated phenotype(s). Given the available evidence, this variant is classified as Likely Pathogenic.